The following is an entry in ClinVar:

NM_194255.4(SLC19A1):c.1592dup (p.Gln532fs)

Gene: SLC19A1 (solute carrier family 19 member 1; minus strand). Cytogenetic location: 21q22.3.
Variant type: Duplication.
Coding change: c.1592dup on transcript NM_194255.4 (MANE Select); coding-DNA position 1592, one base duplicated (C; older notation c.1592dupC).
Protein change: p.Gln532fs; shifts the reading frame from glutamine 532.
Molecular consequence: frameshift variant. On other transcripts: intron variant (2).
Genome position (GRCh38, 1-based): chr21:45,515,842, G duplicated on the plus strand (C on the coding strand, the reverse complement: SLC19A1 is on the minus strand); the first of 4 consecutive G bases (chr21:45,515,842-45,515,845); duplicating any one gives the same sequence. VCF-style (leftmost placement, unchanged base first): chr21-45515841-C-CG. GRCh37 (hg19) VCF-style: chr21-46935755-C-CG.
Other names: c.1472dup, p.Gln492fs (NM_001205207.3); c.1238dup, p.Gln414fs (NM_001352510.2); c.1592dup, p.Gln532fs (NM_001352512.2); c.1294-690dup (NM_001352511.3, NM_001205206.4); short protein forms Q492fs, Q532fs, Q414fs.
Identifiers: ClinVar variation 2128392 (VCV002128392.4), dbSNP rs770432197, ClinGen allele CA2580098881.

ClinVar aggregate classification (germline): Uncertain significance (1 of 4 stars; one submission).

Submission:

Labcorp Genetics (formerly Invitae), Labcorp
Classification: Uncertain significance. Last evaluated: 2022-08-22. Review status: criteria provided, single submitter. Criteria: Invitae Variant Classification Sherloc (09022015). Collection method: clinical testing. Allele origin: germline.
Comment: In summary, the available evidence is currently insufficient to determine the role of this variant in disease. Therefore, it has been classified as a Variant of Uncertain Significance. Experimental studies and prediction algorithms are not available or were not evaluated, and the functional significance of this variant is currently unknown. This variant has not been reported in the literature in individuals affected with SLC19A1-related conditions. This variant is not present in population databases (gnomAD no frequency). This sequence change creates a premature translational stop signal (p.Gln532Alafs*4) in the SLC19A1 gene. While this is not anticipated to result in nonsense mediated decay, it is expected to disrupt the last 60 amino acid(s) of the SLC19A1 protein.